The following is an entry in ClinVar:

NM_006147.4(IRF6):c.35C>A (p.Pro12His)

Gene: IRF6 (interferon regulatory factor 6; minus strand). Cytogenetic location: 1q32.2.
Variant type: single nucleotide variant.
Coding change: c.35C>A on transcript NM_006147.4 (MANE Select); coding-DNA position 35, C replaced by A.
Protein change: p.Pro12His; replaces proline 12 with histidine.
Molecular consequence: missense variant. On other transcripts: intron variant (1).
Genome position (GRCh38, 1-based): chr1:209,801,379, G>T on the plus strand (C>A on the coding strand, the complement: IRF6 is on the minus strand). VCF-style: chr1-209801379-G-T. GRCh37 (hg19) VCF-style: chr1-209974724-G-T.
Other names: c.-112+4568C>A (NM_001206696.2); short protein forms P12H.
Identifiers: ClinVar variation 857849 (VCV000857849.11), dbSNP rs2077940711, ClinGen allele CA344586054.

ClinVar aggregate classification (germline): Uncertain significance (1 of 4 stars; one submission).

Conditions:
Orofacial cleft 6, susceptibility to (OFC6). Also called: CLEFT LIP WITH OR WITHOUT CLEFT PALATE, NONSYNDROMIC, 6. Identifiers: MedGen C1837213, MONDO:0012141, OMIM 608864.
Popliteal pterygium syndrome (PPS). Identifiers: Orphanet 294963, MedGen C0265259, MONDO:0017435.
Van der Woude syndrome. Identifiers: Orphanet 888, MedGen C0175697, MONDO:0019508.

Submission:

Labcorp Genetics (formerly Invitae), Labcorp
Classification: Uncertain significance for Orofacial cleft 6, susceptibility to; Van der Woude syndrome; Popliteal pterygium syndrome. Last evaluated: 2022-01-06. Review status: criteria provided, single submitter. Criteria: Invitae Variant Classification Sherloc (09022015). Collection method: clinical testing. Allele origin: germline.
Comment: This sequence change replaces proline, which is neutral and non-polar, with histidine, which is basic and polar, at codon 12 of the IRF6 protein (p.Pro12His). This variant is not present in population databases (gnomAD no frequency). This variant has not been reported in the literature in individuals affected with IRF6-related conditions. ClinVar contains an entry for this variant (Variation ID: 857849). Advanced modeling of protein sequence and biophysical properties (such as structural, functional, and spatial information, amino acid conservation, physicochemical variation, residue mobility, and thermodynamic stability) performed at Invitae indicates that this missense variant is expected to disrupt IRF6 protein function. In summary, the available evidence is currently insufficient to determine the role of this variant in disease. Therefore, it has been classified as a Variant of Uncertain Significance.